The following is an entry in ClinVar:

ClinVar aggregate classification (germline): Pathogenic. Review status: criteria provided, multiple submitters, no conflicts (2 of 4 stars). 3 submissions from 3 submitters: Pathogenic (3). Last evaluated 2026-03-20.

Conditions:
Epilepsy, familial adult myoclonic, 5 (EPEO5). Also called: CORTICAL MYOCLONIC TREMOR WITH EPILEPSY, FAMILIAL, 5. Identifiers: Orphanet 86814, MedGen C3809374, MONDO:0014167, OMIM 615400.

Submissions (3):

GeneDx
Classification: Pathogenic. Last evaluated: 2026-03-20. Review status: criteria provided, single submitter. Criteria: GeneDx Variant Classification Process June 2021. Collection method: clinical testing. Allele origin: germline.
Comment: Frameshift variant predicted to result in protein truncation or nonsense mediated decay in a gene for which loss of function is a known mechanism of disease; Not observed at significant frequency in large population cohorts (gnomAD); Has not been previously published as pathogenic or benign to our knowledge

3billion
Classification: Pathogenic for Epilepsy, familial adult myoclonic, 5. Last evaluated: 2025-05-27. Review status: criteria provided, single submitter. Criteria: ACMG Guidelines, 2015. Collection method: clinical testing. Allele origin: germline. Affected: yes.
Comment: The variant is not observed in the gnomAD v4.1.0 dataset. Predicted Consequence/Location: Frameshift: predicted to result in a loss or disruption of normal protein function through nonsense-mediated decay (NMD) or protein truncation. Multiple pathogenic variants are reported downstream of the variant. The variant has been reported to be associated with CNTN2-related disorder (ClinVar ID: VCV001456315). Therefore, this variant is classified as Pathogenic according to the recommendation of ACMG/AMP guideline.

Labcorp Genetics (formerly Invitae), Labcorp
Classification: Pathogenic for Epilepsy, familial adult myoclonic, 5. Last evaluated: 2021-06-14. Review status: criteria provided, single submitter. Criteria: Invitae Variant Classification Sherloc (09022015). Collection method: clinical testing. Allele origin: germline.
Comment: For these reasons, this variant has been classified as Pathogenic. This variant has not been reported in the literature in individuals with CNTN2-related conditions. This variant is not present in population databases (ExAC no frequency). This sequence change creates a premature translational stop signal (p.Ser900Glnfs*28) in the CNTN2 gene. It is expected to result in an absent or disrupted protein product. Loss-of-function variants in CNTN2 are known to be pathogenic (PMID: 11178983, 23518707).

Literature cited by the submitters: PubMed 11178983 (cited by Labcorp Genetics (formerly Invitae), Labcorp); PubMed 23518707 (cited by Labcorp Genetics (formerly Invitae), Labcorp).

NM_005076.5(CNTN2):c.2697dup (p.Ser900fs)

Gene: CNTN2 (contactin 2; plus strand). Cytogenetic location: 1q32.1.
Variant type: Duplication.
Coding change: c.2697dup on transcript NM_005076.5 (MANE Select); coding-DNA position 2697, one base duplicated (C; older notation c.2697dupC).
Protein change: p.Ser900fs; shifts the reading frame from serine 900.
Molecular consequence: frameshift variant. On other transcripts: non-coding transcript variant (1).
Genome position (GRCh38, 1-based): chr1:205,072,099, C duplicated; the last of 2 consecutive C bases (chr1:205,072,098-205,072,099); duplicating either gives the same sequence. VCF-style (leftmost placement, unchanged base first): chr1-205072097-G-GC. GRCh37 (hg19) VCF-style: chr1-205041225-G-GC.
Other names: c.2697dup (NM_005076.3); c.2697dup, p.Ser900fs (NM_001346083.2); short protein forms S900fs.
Identifiers: ClinVar variation 1456315 (VCV001456315.8), dbSNP rs2151200083, ClinGen allele CA2573131492.